The following is an entry in ClinVar:

ClinVar aggregate classification (germline): Uncertain significance. Review status: criteria provided, multiple submitters, no conflicts (2 of 4 stars). 2 submissions from 2 submitters: Uncertain significance (2). Last evaluated 2022-06-13.

Allele frequency attached by ClinVar (database versions not stated): ExAC 0.00001; gnomAD 0.00001; gnomAD exomes 0.00001 and 0.00003; TOPMed 0.00003; ESP Exome Variant Server 0.00008.
gnomAD v4.1: 49 of 1,611,990 alleles (0.003%); highest among the groups gnomAD compares: Non-Finnish European, 0.0041%; no homozygotes.

Submissions (2):

Labcorp Genetics (formerly Invitae), Labcorp
Classification: Uncertain significance. Last evaluated: 2022-06-13. Review status: criteria provided, single submitter. Criteria: Invitae Variant Classification Sherloc (09022015). Collection method: clinical testing. Allele origin: germline.
Comment: This sequence change replaces phenylalanine, which is neutral and non-polar, with leucine, which is neutral and non-polar, at codon 490 of the RCBTB1 protein (p.Phe490Leu). This variant is present in population databases (rs141536179, gnomAD 0.002%). This variant has not been reported in the literature in individuals affected with RCBTB1-related conditions. ClinVar contains an entry for this variant (Variation ID: 1053712). Algorithms developed to predict the effect of missense changes on protein structure and function are either unavailable or do not agree on the potential impact of this missense change (SIFT: "Deleterious"; PolyPhen-2: "Possibly Damaging"; Align-GVGD: "Class C0"). In summary, the available evidence is currently insufficient to determine the role of this variant in disease. Therefore, it has been classified as a Variant of Uncertain Significance.

Blueprint Genetics
Classification: Uncertain significance. Last evaluated: 2022-05-20. Review status: criteria provided, single submitter. Criteria: ACMG Guidelines, 2015. Collection method: clinical testing. Allele origin: germline.

NM_018191.4(RCBTB1):c.1468T>C (p.Phe490Leu)

Gene: RCBTB1 (RCC1 and BTB domain containing protein 1; minus strand). Cytogenetic location: 13q14.2.
Variant type: single nucleotide variant.
Coding change: c.1468T>C on transcript NM_018191.4 (MANE Select); coding-DNA position 1468, T replaced by C.
Protein change: p.Phe490Leu; replaces phenylalanine 490 with leucine.
Molecular consequence: missense variant. On other transcripts: non-coding transcript variant (2).
Genome position (GRCh38, 1-based): chr13:49,534,250, A>G on the plus strand (T>C on the coding strand, the complement: RCBTB1 is on the minus strand). VCF-style: chr13-49534250-A-G. GRCh37 (hg19) VCF-style: chr13-50108386-A-G.
Other names: c.1468T>C, p.Phe490Leu (NM_001352500.2, NM_001352501.2, NM_001352502.2 and 1 more transcripts); c.889T>C, p.Phe297Leu (NM_001352506.2); short protein forms F297L, F490L.
Identifiers: ClinVar variation 1053712 (VCV001053712.7), dbSNP rs141536179, ClinGen allele CA6982537.
Genomic context (GRCh38, chr13:49,534,250, plus strand): 5'-GCCAAAATGCTGCAGTCTGTGTAACTTCTGTCAAATGATTGATGCAAAACTTAAAGCAGA[A>G]TTCTTCTAAATCCTGGACACACAACAAAAATAAAAACAAAAATGGCTTTTTTAGGCAACT-3'
Protein context (NP_060661.3, residues 480-500): VRYDAEDLEE[Phe490Leu]CFKFCINHLT